The following is an entry in ClinVar:

NM_000116.5(TAFAZZIN):c.768C>G (p.Asn256Lys)

Gene: TAFAZZIN (tafazzin, phospholipid-lysophospholipid transacylase; plus strand). Cytogenetic location: Xq28.
Variant type: single nucleotide variant.
Coding change: c.768C>G on transcript NM_000116.5 (MANE Select); coding-DNA position 768, C replaced by G.
Protein change: p.Asn256Lys; replaces asparagine 256 with lysine.
Molecular consequence: missense variant. On other transcripts: non-coding transcript variant (1).
Genome position (GRCh38, 1-based): chrX:154,420,726, C>G. VCF-style: chrX-154420726-C-G. GRCh37 (hg19) VCF-style: chrX-153649065-C-G.
Other names: c.768C>G (NM_000116.3); c.780C>G, p.Asn260Lys (NM_001303465.2); c.678C>G, p.Asn226Lys (NM_181311.4); c.726C>G, p.Asn242Lys (NM_181312.4); c.636C>G, p.Asn212Lys (NM_181313.4); short protein forms N256K, N212K, N260K, N226K, N242K.
Identifiers: ClinVar variation 462146 (VCV000462146.4), dbSNP rs926124671, ClinGen allele CA337288790.

ClinVar aggregate classification (germline): Uncertain significance. Review status: criteria provided, multiple submitters, no conflicts (2 of 4 stars). 3 submissions from 3 submitters: Uncertain significance (3). Last evaluated 2025-04-14.

Conditions:
TAFAZZIN-related disorder. Also called: TAFAZZIN-Related Disorders; TAFAZZIN-related condition.
Cardiovascular phenotype. Identifiers: MedGen CN230736.
3-Methylglutaconic aciduria type 2 (BTHS). Also called: Barth syndrome; CARDIOSKELETAL MYOPATHY WITH NEUTROPENIA AND ABNORMAL MITOCHONDRIA. Identifiers: Orphanet 111, MedGen C0574083, MONDO:0010543, OMIM 302060.

Allele frequency attached by ClinVar (database versions not stated): TOPMed below 0.00001; gnomAD 0.00002.
gnomAD v4.1: 2 of 1,209,200 alleles (0.00017%); highest among the groups gnomAD compares: African/African-American, 0.0035%; no homozygotes.

Submissions (3):

PreventionGenetics, part of Exact Sciences
Classification: Uncertain significance for TAFAZZIN-related condition. Last evaluated: 2025-04-14. Review status: criteria provided, single submitter. Criteria: ACMG Guidelines, 2015. Collection method: clinical testing. Allele origin: germline.
Comment: The TAFAZZIN c.768C>G variant is predicted to result in the amino acid substitution p.Asn256Lys. To our knowledge, this variant has not been reported in the literature or in a large population database (gnomAD), indicating this variant is rare. At this time, the clinical significance of this variant is uncertain due to the absence of conclusive functional and genetic evidence.

Ambry Genetics
Classification: Uncertain significance for Cardiovascular phenotype. Last evaluated: 2024-05-24. Review status: criteria provided, single submitter. Criteria: Ambry Variant Classification Scheme 2023. Collection method: clinical testing. Allele origin: germline.
Comment: The p.N256K variant (also known as c.768C>G), located in coding exon 10 of the TAZ gene, results from a C to G substitution at nucleotide position 768. The asparagine at codon 256 is replaced by lysine, an amino acid with similar properties. This amino acid position is highly conserved in available vertebrate species. In addition, the in silico prediction for this alteration is inconclusive. Based on the available evidence, the clinical significance of this variant remains unclear.

Labcorp Genetics (formerly Invitae), Labcorp
Classification: Uncertain significance for 3-Methylglutaconic aciduria type 2. Last evaluated: 2022-03-19. Review status: criteria provided, single submitter. Criteria: Invitae Variant Classification Sherloc (09022015). Collection method: clinical testing. Allele origin: germline.
Comment: This sequence change replaces asparagine, which is neutral and polar, with lysine, which is basic and polar, at codon 256 of the TAZ protein (p.Asn256Lys). This variant is not present in population databases (gnomAD no frequency). This variant has not been reported in the literature in individuals affected with TAZ-related conditions. ClinVar contains an entry for this variant (Variation ID: 462146). Algorithms developed to predict the effect of missense changes on protein structure and function (SIFT, PolyPhen-2, Align-GVGD) all suggest that this variant is likely to be tolerated. In summary, the available evidence is currently insufficient to determine the role of this variant in disease. Therefore, it has been classified as a Variant of Uncertain Significance.